The following is an entry in ClinVar:

NM_001330260.2(SCN8A):c.5472C>G (p.Pro1824=)

Gene: SCN8A (sodium voltage-gated channel alpha subunit 8; plus strand). Cytogenetic location: 12q13.13.
Variant type: single nucleotide variant.
Coding change: c.5472C>G on transcript NM_001330260.2 (MANE Select); coding-DNA position 5472, C replaced by G.
Protein change: p.Pro1824=; no amino-acid change (proline 1824 retained).
Molecular consequence: synonymous variant.
Genome position (GRCh38, 1-based): chr12:51,806,958, C>G. VCF-style: chr12-51806958-C-G. GRCh37 (hg19) VCF-style: chr12-52200742-C-G.
Other names: c.5349C>G, p.Pro1783= (NM_001177984.3, NM_001369788.1); c.5472C>G, p.Pro1824= (NM_014191.4).
Identifiers: ClinVar variation 379840 (VCV000379840.4), dbSNP rs60637, ClinGen allele CA6571920.
Genomic context (GRCh38, chr12:51,806,958, plus strand): 5'-GTACTGTAAGCTGGCAGACTTTGCAGATGCCTTGGAGCATCCTCTCCGAGTGCCCAAGCC[C>G]AATACCATTGAGCTCATCGCTATGGATCTGCCAATGGTGAGCGGGGATCGCATCCACTGC-3'
Protein context (NP_001317189.1, residues 1814-1834): ALEHPLRVPK[Pro1824=]NTIELIAMDL

ClinVar aggregate classification (germline): Likely benign. Review status: criteria provided, multiple submitters, no conflicts (2 of 4 stars). 3 submissions from 3 submitters: Likely benign (3). Last evaluated 2026-08-01.

Conditions:
Early-infantile DEE. Also called: Early infantile epileptic encephalopathy with suppression bursts; Early infantile epileptic encephalopathy; Ohtahara syndrome. Identifiers: Orphanet 1934, MedGen C0393706, MONDO:0800491.

Submissions (3):

CeGaT Center for Human Genetics Tuebingen
Classification: Likely benign. Last evaluated: 2026-08-01. Review status: criteria provided, single submitter. Criteria: CeGaT Center For Human Genetics Tuebingen Variant Classification Criteria Version 2. Collection method: clinical testing. Allele origin: germline. Affected: yes. Observed: 1 variant allele.
Comment: SCN8A: BP4, BP7

Labcorp Genetics (formerly Invitae), Labcorp
Classification: Likely benign for Early-infantile DEE. Last evaluated: 2025-04-10. Review status: criteria provided, single submitter. Criteria: Invitae Variant Classification Sherloc (09022015). Collection method: clinical testing. Allele origin: germline.

GeneDx
Classification: Likely benign. Last evaluated: 2016-11-30. Review status: criteria provided, single submitter. Criteria: GeneDx Variant Classification (06012015). Collection method: clinical testing. Allele origin: germline. Affected: yes.
Comment: This variant is considered likely benign or benign based on one or more of the following criteria: it is a conservative change, it occurs at a poorly conserved position in the protein, it is predicted to be benign by multiple in silico algorithms, and/or has population frequency not consistent with disease.